The following is an entry in ClinVar:

ClinVar aggregate classification (germline): Pathogenic. Review status: criteria provided, multiple submitters, no conflicts (2 of 4 stars). 2 submissions from 2 submitters: Pathogenic (2). Last evaluated 2025-05-17.

Conditions:
Arrhythmogenic right ventricular cardiomyopathy (ARVD). Also called: Cardiomyopathy, ARVC; Arrhythmogenic right ventricular dysplasia; Arrhythmogenic cardiomyopathy; Arrhythmogenic Right Ventricular Cardiomyopathy (ARVC). Identifiers: Orphanet 247, MedGen C0349788, MeSH D019571, MONDO:0016587. Disease mechanism: loss of function. Inheritance: Various modes of inheritance.
Arrhythmogenic right ventricular dysplasia 8 (ARVD8). Also called: Arrhythmogenic Right Ventricular Dysplasia/Cardiomyopathy 8; ARRHYTHMOGENIC RIGHT VENTRICULAR DYSPLASIA, FAMILIAL, 8; ARRHYTHMOGENIC RIGHT VENTRICULAR CARDIOMYOPATHY 8. Identifiers: MedGen C1843896, MONDO:0011831, OMIM 607450.
Arrhythmogenic cardiomyopathy with wooly hair and keratoderma. Also called: PALMOPLANTAR KERATODERMA WITH LEFT VENTRICULAR CARDIOMYOPATHY AND WOOLLY HAIR; Carvajal syndrome; Dilated cardiomyopathy with woolly hair and keratoderma; Arrhythmogenic cardiomyopathy with woolly hair and keratoderma. Identifiers: Orphanet 65282, MedGen C1854063, MONDO:0011581, OMIM 605676.

Submissions (2):

Labcorp Genetics (formerly Invitae), Labcorp
Classification: Pathogenic for Arrhythmogenic cardiomyopathy with wooly hair and keratoderma; Arrhythmogenic right ventricular dysplasia 8. Last evaluated: 2025-05-17. Review status: criteria provided, single submitter. Criteria: Invitae Variant Classification Sherloc (09022015). Collection method: clinical testing. Allele origin: germline.
Comment: This sequence change creates a premature translational stop signal (p.Arg2394Glyfs*5) in the DSP gene. While this is not anticipated to result in nonsense mediated decay, it is expected to disrupt the last 478 amino acid(s) of the DSP protein. This variant is not present in population databases (gnomAD no frequency). This premature translational stop signal has been observed in individual(s) with DSP-related conditions (PMID: 35819174). This variant disrupts a region of the DSP protein in which other variant(s) (p.Glu2728Glyfs*11) have been determined to be pathogenic (internal data). This suggests that this is a clinically significant region of the protein, and that variants that disrupt it are likely to be disease-causing. For these reasons, this variant has been classified as Pathogenic.

Molecular Genetics Laboratory - Cardiogenetics, CHU de Nantes
Classification: Pathogenic for Arrhythmogenic right ventricular cardiomyopathy. Last evaluated: 2022-06-01. Review status: criteria provided, single submitter. Criteria: ACMG Guidelines, 2015. Collection method: curation. Allele origin: germline. Affected: yes.

Literature cited by the submitters: PubMed 35819174 (cited by Labcorp Genetics (formerly Invitae), Labcorp).

NM_004415.4(DSP):c.7180_7181del (p.Arg2394fs)

Gene: DSP (desmoplakin; plus strand). Cytogenetic location: 6p24.3.
Variant type: Microsatellite.
Coding change: c.7180_7181del on transcript NM_004415.4 (MANE Select); coding-DNA positions 7180 to 7181, 2 bases deleted (AG; older notation c.7180_7181delAG).
Protein change: p.Arg2394fs; shifts the reading frame from arginine 2394.
Molecular consequence: frameshift variant.
Genome position (GRCh38, 1-based): chr6:7,584,442-7,584,443, AG deleted; deleting any 2 consecutive bases within chr6:7,584,440-7,584,443 gives the same sequence; the c. name uses the placement nearest the transcript's 3' end. VCF-style (leftmost placement, unchanged base first): chr6-7584439-AAG-A. GRCh37 (hg19) VCF-style: chr6-7584672-AAG-A.
Other names: c.5383_5384del, p.Arg1795fs (NM_001008844.3); c.5851_5852del, p.Arg1951fs (NM_001319034.2); short protein forms R1795fs, R1951fs, R2394fs.
Identifiers: ClinVar variation 1693206 (VCV001693206.2), dbSNP rs2113701771, ClinGen allele CA2573332575.